The following is an entry in ClinVar:

NM_000059.4(BRCA2):c.4871C>G (p.Thr1624Ser)

Gene: BRCA2 (BRCA2 DNA repair associated; plus strand). Cytogenetic location: 13q13.1.
Variant type: single nucleotide variant.
Coding change: c.4871C>G on transcript NM_000059.4 (MANE Select); coding-DNA position 4871, C replaced by G.
Protein change: p.Thr1624Ser; replaces threonine 1624 with serine.
Molecular consequence: missense variant.
Genome position (GRCh38, 1-based): chr13:32,339,226, C>G. VCF-style: chr13-32339226-C-G. GRCh37 (hg19) VCF-style: chr13-32913363-C-G.
Other names: short protein forms T1624S.
Identifiers: ClinVar variation 419251 (VCV000419251.5), dbSNP rs781045037, ClinGen allele CA6940822.

ClinVar aggregate classification (germline): Conflicting classifications of pathogenicity. Review status: criteria provided, conflicting classifications (1 of 4 stars). 3 submissions from 3 submitters: Uncertain significance (2); Likely benign (1). Last evaluated 2024-02-28.

Conditions:
Hereditary cancer-predisposing syndrome. Also called: Hereditary neoplastic syndrome; Tumor predisposition; Neoplastic Syndromes, Hereditary; Hereditary Cancer Syndrome. Identifiers: Orphanet 140162, MedGen C0027672, MeSH D009386, MONDO:0015356.

Allele frequency attached by ClinVar (database versions not stated): gnomAD exomes below 0.00001; ExAC 0.00001.
gnomAD v4.1: 1 of 1,613,074 alleles (0.000062%); highest among the groups gnomAD compares: Non-Finnish European, 0.000085%; no homozygotes.

Submissions (3):

Ambry Genetics
Classification: Uncertain significance for Hereditary cancer-predisposing syndrome. Last evaluated: 2024-02-28. Review status: criteria provided, single submitter. Criteria: Ambry Variant Classification Scheme 2023. Collection method: clinical testing. Allele origin: germline.
Comment: The p.T1624S variant (also known as c.4871C>G), located in coding exon 10 of the BRCA2 gene, results from a C to G substitution at nucleotide position 4871. The threonine at codon 1624 is replaced by serine, an amino acid with similar properties. This amino acid position is conserved. In addition, this alteration is predicted to be tolerated by in silico analysis. Based on the available evidence, the clinical significance of this alteration remains unclear.

University of Washington Department of Laboratory Medicine, University of Washington
Classification: Likely benign for Hereditary cancer-predisposing syndrome. Last evaluated: 2023-03-23. Review status: criteria provided, single submitter. Criteria: Dines et al. (Genet Med. 2020). Collection method: curation. Allele origin: germline.
Comment: Missense variant in a coldspot region where missense variants are very unlikely to be pathogenic (PMID:31911673).

BRCA2 exon 11 coldspot. Reclassification based on statistical prior probability.

GeneDx
Classification: Uncertain significance. Last evaluated: 2015-06-16. Review status: criteria provided, single submitter. Criteria: GeneDx Variant Classification (06012015). Collection method: clinical testing. Allele origin: germline. Affected: yes.
Comment: This variant is denoted BRCA2 c.4871C>G at the cDNA level, p.Thr1624Ser (T1624S) at the protein level, and results in the change of a Threonine to a Serine (ACT>AGT). Using alternate nomenclature, this variant would be defined as BRCA2 5099C>G. This variant has not, to our knowledge, been published in the literature as pathogenic or benign. BRCA2 Thr1624Ser was not observed in approximately 6,500 individuals of European and African American ancestry in the NHLBI Exome Sequencing Project, indicating it is not a common benign variant in these populations. Since Threonine and Serine share similar properties, this is considered a conservative amino acid substitution. BRCA2 Thr1624Ser occurs at a position that is not conserved and is located within the region of interaction with POLH (UniProt). In silico analyses predict that this variant is unlikely to alter protein structure or function. Based on currently available information, it is unclear whether BRCA2 Thr1624Ser is pathogenic or benign. We consider it to be a variant of uncertain significance.